The following is an entry in ClinVar:

ClinVar aggregate classification (germline): Uncertain significance. Review status: criteria provided, multiple submitters, no conflicts (2 of 4 stars). 3 submissions from 3 submitters: Uncertain significance (3). Last evaluated 2025-08-21.

Conditions:
Inborn genetic diseases. Identifiers: MedGen C0950123, MeSH D030342.
Vici syndrome (VICIS). Identifiers: Orphanet 1493, MedGen C1855772, MONDO:0009452, OMIM 242840.

gnomAD v4.1: 82 of 1,611,340 alleles (0.0051%); highest among the groups gnomAD compares: African/African-American, 0.1%; no homozygotes.

Submissions (3):

Ambry Genetics
Classification: Uncertain significance for Inborn genetic diseases. Last evaluated: 2025-08-21. Review status: criteria provided, single submitter. Criteria: Ambry Variant Classification Scheme 2023. Collection method: clinical testing. Allele origin: germline.

Labcorp Genetics (formerly Invitae), Labcorp
Classification: Uncertain significance for Vici syndrome. Last evaluated: 2022-08-19. Review status: criteria provided, single submitter. Criteria: Invitae Variant Classification Sherloc (09022015). Collection method: clinical testing. Allele origin: germline.
Comment: This sequence change replaces alanine, which is neutral and non-polar, with serine, which is neutral and polar, at codon 1862 of the EPG5 protein (p.Ala1862Ser). This variant is present in population databases (rs34977955, gnomAD 0.1%). This variant has not been reported in the literature in individuals affected with EPG5-related conditions. ClinVar contains an entry for this variant (Variation ID: 1004938). Algorithms developed to predict the effect of missense changes on protein structure and function output the following: SIFT: "Tolerated"; PolyPhen-2: "Benign"; Align-GVGD: "Class C0". The serine amino acid residue is found in multiple mammalian species, which suggests that this missense change does not adversely affect protein function. In summary, the available evidence is currently insufficient to determine the role of this variant in disease. Therefore, it has been classified as a Variant of Uncertain Significance.

GeneDx
Classification: Uncertain significance. Last evaluated: 2022-04-29. Review status: criteria provided, single submitter. Criteria: GeneDx Variant Classification Process June 2021. Collection method: clinical testing. Allele origin: germline. Affected: yes.
Comment: In silico analysis supports that this missense variant does not alter protein structure/function; Has not been previously published as pathogenic or benign to our knowledge

NM_020964.3(EPG5):c.5584G>T (p.Ala1862Ser)

Gene: EPG5 (ectopic P-granules 5 autophagy tethering factor; minus strand). Cytogenetic location: 18q12.3.
Variant type: single nucleotide variant.
Coding change: c.5584G>T on transcript NM_020964.3 (MANE Select); coding-DNA position 5584, G replaced by T.
Protein change: p.Ala1862Ser; replaces alanine 1862 with serine.
Molecular consequence: missense variant.
Genome position (GRCh38, 1-based): chr18:45,880,158, C>A on the plus strand (G>T on the coding strand, the complement: EPG5 is on the minus strand). VCF-style: chr18-45880158-C-A. GRCh37 (hg19) VCF-style: chr18-43460123-C-A.
Other names: short protein forms A1862S.
Identifiers: ClinVar variation 1004938 (VCV001004938.10), dbSNP rs34977955, ClinGen allele CA8948553.